The following is an entry in ClinVar:

NM_006361.6(HOXB13):c.473C>A (p.Pro158Gln)

Gene: HOXB13 (homeobox B13; minus strand). Cytogenetic location: 17q21.32.
Variant type: single nucleotide variant.
Coding change: c.473C>A on transcript NM_006361.6 (MANE Select); coding-DNA position 473, C replaced by A.
Protein change: p.Pro158Gln; replaces proline 158 with glutamine.
Molecular consequence: missense variant.
Genome position (GRCh38, 1-based): chr17:48,728,121, G>T on the plus strand (C>A on the coding strand, the complement: HOXB13 is on the minus strand). VCF-style: chr17-48728121-G-T. GRCh37 (hg19) VCF-style: chr17-46805483-G-T.
Other names: short protein forms P158Q.
Identifiers: ClinVar variation 483489 (VCV000483489.16), dbSNP rs1555558598, ClinGen allele CA400107383.

ClinVar aggregate classification (germline): Uncertain significance. Review status: criteria provided, multiple submitters, no conflicts (2 of 4 stars). 3 submissions from 3 submitters: Uncertain significance (3). Last evaluated 2025-09-22.

Conditions:
Hereditary cancer-predisposing syndrome. Also called: Neoplastic Syndromes, Hereditary; Tumor predisposition; Hereditary Cancer Syndrome; Hereditary neoplastic syndrome. Identifiers: Orphanet 140162, MedGen C0027672, MeSH D009386, MONDO:0015356.
Prostate cancer, hereditary, 9 (HPC9). Identifiers: Orphanet 1331, MedGen C1970250, MONDO:0012597, OMIM 610997.

Submissions (3):

Ambry Genetics
Classification: Uncertain significance for Hereditary cancer-predisposing syndrome. Last evaluated: 2025-09-22. Review status: criteria provided, single submitter. Criteria: Ambry Variant Classification Scheme 2023. Collection method: clinical testing. Allele origin: germline.

Labcorp Genetics (formerly Invitae), Labcorp
Classification: Uncertain significance. Last evaluated: 2025-09-12. Review status: criteria provided, single submitter. Criteria: Invitae Variant Classification Sherloc (09022015). Collection method: clinical testing. Allele origin: germline.
Comment: This sequence change replaces proline, which is neutral and non-polar, with glutamine, which is neutral and polar, at codon 158 of the HOXB13 protein (p.Pro158Gln). This variant is not present in population databases (gnomAD no frequency). This variant has not been reported in the literature in individuals affected with HOXB13-related conditions. ClinVar contains an entry for this variant (Variation ID: 483489). Invitae Evidence Modeling of protein sequence and biophysical properties (such as structural, functional, and spatial information, amino acid conservation, physicochemical variation, residue mobility, and thermodynamic stability) indicates that this missense variant is not expected to disrupt HOXB13 protein function with a negative predictive value of 80%. In summary, the available evidence is currently insufficient to determine the role of this variant in disease. Therefore, it has been classified as a Variant of Uncertain Significance.

Fulgent Genetics
Classification: Uncertain significance for Prostate cancer, hereditary, 9. Last evaluated: 2024-05-20. Review status: criteria provided, single submitter. Criteria: ACMG Guidelines, 2015. Collection method: clinical testing. Allele origin: germline.